The following is an entry in ClinVar:

ClinVar aggregate classification (germline): Uncertain significance. Review status: criteria provided, multiple submitters, no conflicts (2 of 4 stars). 2 submissions from 2 submitters: Uncertain significance (2). Last evaluated 2025-10-07.

Conditions:
Hereditary cancer-predisposing syndrome. Also called: Neoplastic Syndromes, Hereditary; Tumor predisposition; Hereditary neoplastic syndrome; Hereditary Cancer Syndrome. Identifiers: Orphanet 140162, MedGen C0027672, MeSH D009386, MONDO:0015356.
EGFR-related lung cancer (EGFR). Identifiers: MedGen CN130014.

Allele frequency attached by ClinVar (database versions not stated): TOPMed below 0.00001; ExAC 0.00001; gnomAD 0.00001; gnomAD exomes 0.00001.
gnomAD v4.1: 6 of 1,612,738 alleles (0.00037%); highest among the groups gnomAD compares: Admixed American, 0.0067%; no homozygotes.

Submissions (2):

Labcorp Genetics (formerly Invitae), Labcorp
Classification: Uncertain significance for EGFR-related lung cancer. Last evaluated: 2025-10-07. Review status: criteria provided, single submitter. Criteria: Invitae Variant Classification Sherloc (09022015). Collection method: clinical testing. Allele origin: germline.
Comment: This sequence change replaces glutamine, which is neutral and polar, with arginine, which is basic and polar, at codon 1106 of the EGFR protein (p.Gln1106Arg). This variant is present in population databases (rs780439043, gnomAD 0.006%). This variant has not been reported in the literature in individuals affected with EGFR-related conditions. ClinVar contains an entry for this variant (Variation ID: 838693). An algorithm developed to predict the effect of missense changes on protein structure and function (PolyPhen-2) suggests that this variant is likely to be tolerated. In summary, the available evidence is currently insufficient to determine the role of this variant in disease. Therefore, it has been classified as a Variant of Uncertain Significance.

Ambry Genetics
Classification: Uncertain significance for Hereditary cancer-predisposing syndrome. Last evaluated: 2025-04-25. Review status: criteria provided, single submitter. Criteria: Ambry Variant Classification Scheme 2023. Collection method: clinical testing. Allele origin: germline.
Comment: The p.Q1106R variant (also known as c.3317A>G), located in coding exon 28 of the EGFR gene, results from an A to G substitution at nucleotide position 3317. The glutamine at codon 1106 is replaced by arginine, an amino acid with highly similar properties. This amino acid position is conserved. In addition, this alteration is predicted to be tolerated by in silico analysis. Based on the available evidence, the clinical significance of this variant remains unclear.

NM_005228.5(EGFR):c.3317A>G (p.Gln1106Arg)

Gene: EGFR (epidermal growth factor receptor; plus strand). Cytogenetic location: 7p11.2.
Variant type: single nucleotide variant.
Coding change: c.3317A>G on transcript NM_005228.5 (MANE Select); coding-DNA position 3317, A replaced by G.
Protein change: p.Gln1106Arg; replaces glutamine 1106 with arginine.
Molecular consequence: missense variant.
Genome position (GRCh38, 1-based): chr7:55,205,301, A>G. VCF-style: chr7-55205301-A-G. GRCh37 (hg19) VCF-style: chr7-55272994-A-G.
Other names: c.3182A>G, p.Gln1061Arg (NM_001346899.2); c.3158A>G, p.Gln1053Arg (NM_001346900.2); c.2516A>G, p.Gln839Arg (NM_001346941.2); short protein forms Q1053R, Q1061R, Q1106R, Q839R.
Identifiers: ClinVar variation 838693 (VCV000838693.10), dbSNP rs780439043, ClinGen allele CA4266379.